The following is an entry in ClinVar:

NM_000834.5(GRIN2B):c.4413G>A (p.Gly1471=)

Gene: GRIN2B (glutamate ionotropic receptor NMDA type subunit 2B; minus strand). Cytogenetic location: 12p13.1.
Variant type: single nucleotide variant.
Coding change: c.4413G>A on transcript NM_000834.5 (MANE Select); coding-DNA position 4413, G replaced by A.
Protein change: p.Gly1471=; no amino-acid change (glycine 1471 retained).
Molecular consequence: synonymous variant.
Genome position (GRCh38, 1-based): chr12:13,562,825, C>T on the plus strand (G>A on the coding strand, the complement: GRIN2B is on the minus strand). VCF-style: chr12-13562825-C-T. GRCh37 (hg19) VCF-style: chr12-13715759-C-T.
Identifiers: ClinVar variation 245976 (VCV000245976.9), dbSNP rs202051424, ClinGen allele CA6460722.

ClinVar aggregate classification (germline): Likely benign. Review status: criteria provided, multiple submitters, no conflicts (2 of 4 stars). 2 submissions from 2 submitters: Likely benign (2). Last evaluated 2026-01-15.

Conditions:
Intellectual developmental disorder, autosomal dominant 6, with or without seizures. Also called: Intellectual disability, autosomal dominant 6; GRIN2B-related developmental delay, intellectual disability and autism spectrum disorder. Identifiers: Orphanet 589547, MedGen C3151411, MONDO:0013509, OMIM 613970.
Developmental and epileptic encephalopathy, 27 (DEE27). Also called: Epileptic encephalopathy, early infantile, 27; GRIN2B-Related Neurodevelopmental Disorder. Identifiers: Orphanet 3451, MedGen C4015316, MONDO:0014505, OMIM 616139.

Allele frequency attached by ClinVar (database versions not stated): gnomAD 0.00001; ExAC 0.00002; gnomAD exomes 0.00002; TOPMed 0.00002; ESP Exome Variant Server 0.00008.
gnomAD v4.1: 26 of 1,614,042 alleles (0.0016%); highest among the groups gnomAD compares: Non-Finnish European, 0.0022%; no homozygotes.

Submissions (2):

Labcorp Genetics (formerly Invitae), Labcorp
Classification: Likely benign for Developmental and epileptic encephalopathy, 27; Intellectual developmental disorder, autosomal dominant 6, with or without seizures. Last evaluated: 2026-01-15. Review status: criteria provided, single submitter. Criteria: Invitae Variant Classification Sherloc (09022015). Collection method: clinical testing. Allele origin: germline.

GeneDx
Classification: Likely benign. Last evaluated: 2015-10-07. Review status: criteria provided, single submitter. Criteria: GeneDx Variant Classification (06012015). Collection method: clinical testing. Allele origin: germline. Affected: yes.
Comment: This variant is considered likely benign or benign based on one or more of the following criteria: it is a conservative change, it occurs at a poorly conserved position in the protein, it is predicted to be benign by multiple in silico algorithms, and/or has population frequency not consistent with disease.